The following is an entry in ClinVar:

ClinVar aggregate classification (germline): Uncertain significance. Review status: criteria provided, multiple submitters, no conflicts (2 of 4 stars). 3 submissions from 3 submitters: Uncertain significance (3). Last evaluated 2025-07-24.

Conditions:
Hereditary cancer-predisposing syndrome. Also called: Neoplastic Syndromes, Hereditary; Tumor predisposition; Hereditary Cancer Syndrome; Hereditary neoplastic syndrome. Identifiers: Orphanet 140162, MedGen C0027672, MeSH D009386, MONDO:0015356.
Ataxia-telangiectasia syndrome (AT). Also called: Ataxia telangiectasia (A-T); ATAXIA-TELANGIECTASIA, COMPLEMENTATION GROUP A; ATAXIA-TELANGIECTASIA, FRESNO VARIANT; Ataxia-telangiectasia; Ataxia-telangiectasia, complementation group E; LOUIS-BAR SYNDROME. Identifiers: Orphanet 100, MedGen C0004135, MONDO:0008840, OMIM 208900.

Submissions (3):

Labcorp Genetics (formerly Invitae), Labcorp
Classification: Uncertain significance for Ataxia-telangiectasia syndrome. Last evaluated: 2025-07-24. Review status: criteria provided, single submitter. Criteria: Invitae Variant Classification Sherloc (09022015). Collection method: clinical testing. Allele origin: germline.
Comment: This sequence change replaces aspartic acid, which is acidic and polar, with glutamic acid, which is acidic and polar, at codon 2725 of the ATM protein (p.Asp2725Glu). This variant is not present in population databases (gnomAD no frequency). This variant has not been reported in the literature in individuals affected with ATM-related conditions. ClinVar contains an entry for this variant (Variation ID: 1171554). Invitae Evidence Modeling of protein sequence and biophysical properties (such as structural, functional, and spatial information, amino acid conservation, physicochemical variation, residue mobility, and thermodynamic stability) has been performed for this missense variant. However, the output from this modeling did not meet the statistical confidence thresholds required to predict the impact of this variant on ATM protein function. In summary, the available evidence is currently insufficient to determine the role of this variant in disease. Therefore, it has been classified as a Variant of Uncertain Significance.

Ambry Genetics
Classification: Uncertain significance for Hereditary cancer-predisposing syndrome. Last evaluated: 2025-02-03. Review status: criteria provided, single submitter. Criteria: Ambry Variant Classification Scheme 2023. Collection method: clinical testing. Allele origin: germline.
Comment: The p.D2725E variant (also known as c.8175T>G), located in coding exon 55 of the ATM gene, results from a T to G substitution at nucleotide position 8175. The aspartic acid at codon 2725 is replaced by glutamic acid, an amino acid with highly similar properties. This amino acid position is highly conserved in available vertebrate species. In addition, this alteration is predicted to be deleterious by in silico analysis. Based on the available evidence, the clinical significance of this variant remains unclear.

Color Diagnostics, LLC DBA Color Health
Classification: Uncertain significance for Hereditary cancer-predisposing syndrome. Last evaluated: 2024-03-06. Review status: criteria provided, single submitter. Criteria: ACMG Guidelines, 2015. Collection method: clinical testing. Allele origin: germline.
Comment: This missense variant replaces aspartic acid with glutamic acid at codon 2725 of the ATM protein. Computational prediction suggests that this variant may have deleterious impact on protein structure and function (internally defined REVEL score threshold >= 0.7, PMID: 27666373). To our knowledge, functional studies have not been reported for this variant. This variant has not been reported in individuals affected with hereditary cancer in the literature. This variant has not been identified in the general population by the Genome Aggregation Database (gnomAD). The available evidence is insufficient to determine the role of this variant in disease conclusively. Therefore, this variant is classified as a Variant of Uncertain Significance.

NM_000051.4(ATM):c.8175T>G (p.Asp2725Glu)

Genes: ATM (ATM serine/threonine kinase; plus strand), C11orf65 (chromosome 11 open reading frame 65; minus strand). Cytogenetic location: 11q22.3.
Variant type: single nucleotide variant.
Coding change: c.8175T>G on transcript NM_000051.4 (MANE Select); coding-DNA position 8175, T replaced by G.
Protein change: p.Asp2725Glu; replaces aspartic acid 2725 with glutamic acid.
Molecular consequence: missense variant. On other transcripts: intron variant (2).
Genome position (GRCh38, 1-based): chr11:108,335,868, T>G. VCF-style: chr11-108335868-T-G. GRCh37 (hg19) VCF-style: chr11-108206595-T-G.
Other names: c.8175T>G, p.Asp2725Glu (NM_001351834.2); c.641-26797A>C (NM_001330368.2); c.695-576A>C (NM_001351110.2); short protein forms D2725E.
Identifiers: ClinVar variation 1171554 (VCV001171554.12), dbSNP rs1431188311, ClinGen allele CA382562504.